The following is an entry in ClinVar:

NM_001458.5(FLNC):c.6822C>G (p.Tyr2274Ter)

Genes: FLNC-AS1 (FLNC antisense RNA 1; minus strand), FLNC (filamin C; plus strand). Cytogenetic location: 7q32.1.
Variant type: single nucleotide variant.
Coding change: c.6822C>G on transcript NM_001458.5 (MANE Select); coding-DNA position 6822, C replaced by G.
Protein change: p.Tyr2274Ter; replaces tyrosine 2274 with a stop codon.
Molecular consequence: nonsense.
Genome position (GRCh38, 1-based): chr7:128,854,507, C>G. VCF-style: chr7-128854507-C-G. GRCh37 (hg19) VCF-style: chr7-128494561-C-G.
Other names: c.6723C>G, p.Tyr2241Ter (NM_001127487.2); short protein forms Y2274*, Y2241*.
Identifiers: ClinVar variation 3515997 (VCV003515997.2).

ClinVar aggregate classification (germline): Pathogenic. Review status: criteria provided, multiple submitters, no conflicts (2 of 4 stars). 2 submissions from 2 submitters: Pathogenic (2). Last evaluated 2026-01-19.

Conditions:
Distal myopathy with posterior leg and anterior hand involvement. Also called: WILLIAMS DISTAL MYOPATHY. Identifiers: Orphanet 63273, MedGen C3279722, MONDO:0013550, OMIM 614065.
Hypertrophic cardiomyopathy 26. Also called: Cardiomyopathy, familial hypertrophic, 26. Identifiers: Orphanet 75249, MedGen C4310749, MONDO:0014883, OMIM 617047.
Myofibrillar myopathy 5. Also called: Filaminopathy (type); FILAMINOPATHY, AUTOSOMAL DOMINANT. Identifiers: Orphanet 171445, MedGen C1836050, MONDO:0012289, OMIM 609524.
Cardiovascular phenotype. Identifiers: MedGen CN230736.

Submissions (2):

Labcorp Genetics (formerly Invitae), Labcorp
Classification: Pathogenic for Distal myopathy with posterior leg and anterior hand involvement; Myofibrillar myopathy 5; Hypertrophic cardiomyopathy 26. Last evaluated: 2026-01-19. Review status: criteria provided, single submitter. Criteria: Invitae Variant Classification Sherloc (09022015). Collection method: clinical testing. Allele origin: germline.
Comment: This sequence change creates a premature translational stop signal (p.Tyr2274*) in the FLNC gene. It is expected to result in an absent or disrupted protein product. Loss-of-function variants in FLNC are known to be pathogenic (PMID: 27908349). This variant is not present in population databases (gnomAD no frequency). This variant has not been reported in the literature in individuals affected with FLNC-related conditions. ClinVar contains an entry for this variant (Variation ID: 3515997). For these reasons, this variant has been classified as Pathogenic.

Ambry Genetics
Classification: Pathogenic for Cardiovascular phenotype. Last evaluated: 2024-11-09. Review status: criteria provided, single submitter. Criteria: Ambry Variant Classification Scheme 2023. Collection method: clinical testing. Allele origin: germline.
Comment: The p.Y2274* pathogenic mutation (also known as c.6822C>G), located in coding exon 41 of the FLNC gene, results from a C to G substitution at nucleotide position 6822. This changes the amino acid from a tyrosine to a stop codon within coding exon 41. This variant is considered to be rare based on population cohorts in the Genome Aggregation Database (gnomAD). This alteration is expected to result in loss of function by premature protein truncation or nonsense-mediated mRNA decay. Based on the supporting evidence, this variant is expected to be causative of FLNC-related dilated cardiomyopathy; however, its clinical significance for FLNC-related hypertrophy/restrictive cardiomyopathy and/or skeletal myopathy is unclear.

Literature cited by the submitters: PubMed 27908349 (cited by Labcorp Genetics (formerly Invitae), Labcorp).